The following is an entry in ClinVar:

NM_006648.4(WNK2):c.6383T>G (p.Leu2128Arg)

Gene: WNK2 (WNK lysine deficient protein kinase 2; plus strand). Cytogenetic location: 9q22.31.
Variant type: single nucleotide variant.
Coding change: c.6383T>G on transcript NM_006648.4 (MANE Select); coding-DNA position 6383, T replaced by G.
Protein change: p.Leu2128Arg; replaces leucine 2128 with arginine.
Molecular consequence: missense variant.
Genome position (GRCh38, 1-based): chr9:93,308,451, T>G. VCF-style: chr9-93308451-T-G. GRCh37 (hg19) VCF-style: chr9-96070733-T-G.
Other names: c.6494T>G, p.Leu2165Arg (NM_001282394.3); short protein forms L2165R, L2128R.
Identifiers: ClinVar variation 4842131 (VCV004842131.1).
Genomic context (GRCh38, chr9:93,308,451, plus strand): 5'-AGGCGCAGGTGAACAACAGCAACAACAAGAAGGGTACCTTCACGGACGACCTGCACAAGC[T>G]GGTGGACGAGTGGACGAGCAAGACGGTGGGGGCCGCGCAGCTGAAGCCCACGCTCAACCA-3'
Protein context (NP_006639.3, residues 2118-2138): KGTFTDDLHK[Leu2128Arg]VDEWTSKTVG

ClinVar aggregate classification (germline): Uncertain significance (1 of 4 stars; one submission).

Submission:

Ambry Genetics
Classification: Uncertain significance. Last evaluated: 2026-01-06. Review status: criteria provided, single submitter. Criteria: Ambry Variant Classification Scheme 2023. Collection method: clinical testing. Allele origin: germline.
Comment: The p.L2128R variant (also known as c.6383T>G), located in coding exon 27 of the WNK2 gene, results from a T to G substitution at nucleotide position 6383. The leucine at codon 2128 is replaced by arginine, an amino acid with dissimilar properties. This amino acid position is conserved. In addition, this alteration is predicted to be deleterious by in silico analysis. Based on the available evidence, the clinical significance of this variant remains unclear.